The following is an entry in ClinVar:

NM_002691.4(POLD1):c.3181T>C (p.Cys1061Arg)

Gene: POLD1 (DNA polymerase delta 1, catalytic subunit; plus strand). Cytogenetic location: 19q13.33.
Variant type: single nucleotide variant.
Coding change: c.3181T>C on transcript NM_002691.4 (MANE Select); coding-DNA position 3181, T replaced by C.
Protein change: p.Cys1061Arg; replaces cysteine 1061 with arginine.
Molecular consequence: missense variant. On other transcripts: non-coding transcript variant (1).
Genome position (GRCh38, 1-based): chr19:50,417,232, T>C. VCF-style: chr19-50417232-T-C. GRCh37 (hg19) VCF-style: chr19-50920489-T-C.
Other names: c.3181T>C, p.Cys1061Arg (NM_001256849.1); c.3259T>C, p.Cys1087Arg (NM_001308632.1); short protein forms C1061R, C1087R.
Identifiers: ClinVar variation 1524188 (VCV001524188.8), dbSNP rs2122508414, ClinGen allele CA406987442.
Genomic context (GRCh38, chr19:50,417,232, plus strand): 5'-GTATCCCATCTGAATGCCCTGGAGGAGCGCTTCTCGCGCCTCTGGACGCAGTGCCAGCGC[T>C]GCCAGGGCAGCCTGCACGAGGACGTCATCTGCACCAGGTGTGTGCCATGTCCCGACCCTG-3'
Protein context (NP_002682.2, residues 1051-1071): FSRLWTQCQR[Cys1061Arg]QGSLHEDVIC

ClinVar aggregate classification (germline): Uncertain significance (1 of 4 stars; one submission).

Conditions:
POLD1-related polyposis and colorectal cancer syndrome (CRCS10). Also called: Colorectal cancer 10; COLORECTAL CANCER, SUSCEPTIBILITY TO, ON CHROMOSOME 19q; Colorectal cancer, susceptibility to, 10. Identifiers: Orphanet 220460, MedGen C2675481, MONDO:0012953, OMIM 612591.

Submission:

Labcorp Genetics (formerly Invitae), Labcorp
Classification: Uncertain significance for POLD1-related polyposis and colorectal cancer syndrome. Last evaluated: 2021-02-15. Review status: criteria provided, single submitter. Criteria: Invitae Variant Classification Sherloc (09022015). Collection method: clinical testing. Allele origin: germline.
Comment: This variant is not present in population databases (ExAC no frequency). In summary, the available evidence is currently insufficient to determine the role of this variant in disease. Therefore, it has been classified as a Variant of Uncertain Significance. Algorithms developed to predict the effect of missense changes on protein structure and function are either unavailable or do not agree on the potential impact of this missense change (SIFT: "Deleterious"; PolyPhen-2: "Probably Damaging"; Align-GVGD: "Class C0"). This variant has not been reported in the literature in individuals with POLD1-related conditions. This sequence change replaces cysteine with arginine at codon 1061 of the POLD1 protein (p.Cys1061Arg). The cysteine residue is highly conserved and there is a large physicochemical difference between cysteine and arginine.